The following is an entry in ClinVar:

NM_133259.4(LRPPRC):c.3900+14C>T

Gene: LRPPRC (leucine rich pentatricopeptide repeat containing; minus strand). Cytogenetic location: 2p21.
Variant type: single nucleotide variant.
Coding change: c.3900+14C>T on transcript NM_133259.4 (MANE Select); 14 bases into the intron after coding-DNA position 3900, C replaced by T.
Molecular consequence: intron variant.
Genome position (GRCh38, 1-based): chr2:43,896,620, G>A on the plus strand (C>T on the coding strand, the complement: LRPPRC is on the minus strand). VCF-style: chr2-43896620-G-A. GRCh37 (hg19) VCF-style: chr2-44123759-G-A.
Identifiers: ClinVar variation 336147 (VCV000336147.19), dbSNP rs3795859, ClinGen allele CA1637906.
Genomic context (GRCh38, chr2:43,896,620, plus strand): 5'-TTTATGTTAAATTCAATACTTCTGAGCAAGGCACGTACAGTATCATTGATTTGTAAGCAG[G>A]TAAAGCACAGTACCTTTCCTTGTTTCCTAGAATTCCTAAGGAGGAACAACAACAAAATCG-3'

ClinVar aggregate classification (germline): Benign. Review status: criteria provided, multiple submitters, no conflicts (2 of 4 stars). 5 submissions from 5 submitters: Benign (5). Last evaluated 2026-02-04.

Conditions:
Congenital lactic acidosis, Saguenay-Lac-Saint-Jean type (MC4DN5). Also called: CYTOCHROME c OXIDASE DEFICIENCY, FRENCH CANADIAN TYPE; COX DEFICIENCY, FRENCH CANADIAN TYPE; MITOCHONDRIAL COMPLEX IV DEFICIENCY, NUCLEAR TYPE 5. Identifiers: Orphanet 70472, MedGen C1857355, MONDO:0009069, OMIM 220111.

Allele frequency attached by ClinVar (database versions not stated): ESP Exome Variant Server 0.08227; gnomAD 0.10271 and 0.11390; TOPMed 0.11241; ExAC 0.15993; gnomAD exomes 0.16452; 1000 Genomes Project 30x 0.19566; 1000 Genomes Project 0.20507.
gnomAD v4.1: 196,344 of 1,559,860 alleles (13%); highest among the groups gnomAD compares: East Asian, 43%; 16,434 homozygotes.

Submissions (5):

Labcorp Genetics (formerly Invitae), Labcorp
Classification: Benign. Last evaluated: 2026-02-04. Review status: criteria provided, single submitter. Criteria: Invitae Variant Classification Sherloc (09022015). Collection method: clinical testing. Allele origin: germline.

Genome-Nilou Lab
Classification: Benign for Congenital lactic acidosis, Saguenay-Lac-Saint-Jean type. Last evaluated: 2021-07-10. Review status: criteria provided, single submitter. Criteria: ACMG Guidelines, 2015. Collection method: clinical testing. Allele origin: germline. Affected: no.

Illumina Laboratory Services, Illumina
Classification: Benign for Congenital lactic acidosis, Saguenay-Lac-Saint-Jean type. Last evaluated: 2018-01-13. Review status: criteria provided, single submitter. Criteria: ICSL Variant Classification Criteria 13 December 2019. Collection method: clinical testing. Allele origin: germline.
Comment: This variant was observed in the ICSL laboratory as part of a predisposition screen in an ostensibly healthy population. It had not been previously curated by ICSL or reported in the Human Gene Mutation Database (HGMD: prior to June 1st, 2018), and was therefore a candidate for classification through an automated scoring system. Utilizing variant allele frequency, disease prevalence and penetrance estimates, and inheritance mode, an automated score was calculated to assess if this variant is too frequent to cause the disease. Based on the score and internal cut-off values, a variant classified as benign is not then subjected to further curation. The score for this variant resulted in a classification of benign for this disease.

GeneDx
Classification: Benign. Last evaluated: 2015-03-03. Review status: criteria provided, single submitter. Criteria: GeneDx Variant Classification Process June 2021. Collection method: clinical testing. Allele origin: germline. Affected: yes.
Comment: This variant is associated with the following publications: (PMID: 27574110)

Breakthrough Genomics
Classification: Benign. Review status: criteria provided, single submitter. Criteria: ACMG Guidelines, 2015. Collection method: not provided. Allele origin: germline. Inheritance: Autosomal recessive inheritance. Affected: yes.